The following is an entry in ClinVar:

ClinVar aggregate classification (germline): Uncertain significance (1 of 4 stars; one submission).

Conditions:
Glycogen storage disease type III (GSD3). Also called: Cori disease; FORBES DISEASE. Identifiers: Orphanet 366, MedGen C0017922, MONDO:0009291, OMIM 232400.

Submission:

Labcorp Genetics (formerly Invitae), Labcorp
Classification: Uncertain significance for Glycogen storage disease type III. Last evaluated: 2022-07-19. Review status: criteria provided, single submitter. Criteria: Invitae Variant Classification Sherloc (09022015). Collection method: clinical testing. Allele origin: germline.
Comment: This variant is not present in population databases (gnomAD no frequency). In summary, the available evidence is currently insufficient to determine the role of this variant in disease. Therefore, it has been classified as a Variant of Uncertain Significance. Algorithms developed to predict the effect of missense changes on protein structure and function are either unavailable or do not agree on the potential impact of this missense change (SIFT: "Deleterious"; PolyPhen-2: "Probably Damaging"; Align-GVGD: "Class C0"). This variant has not been reported in the literature in individuals affected with AGL-related conditions. This sequence change replaces arginine, which is basic and polar, with isoleucine, which is neutral and non-polar, at codon 570 of the AGL protein (p.Arg570Ile).

NM_000642.3(AGL):c.1709G>T (p.Arg570Ile)

Gene: AGL (amylo-alpha-1,6-glucosidase and 4-alpha-glucanotransferase; plus strand). Cytogenetic location: 1p21.2.
Variant type: single nucleotide variant.
Coding change: c.1709G>T on transcript NM_000642.3 (MANE Select); coding-DNA position 1709, G replaced by T.
Protein change: p.Arg570Ile; replaces arginine 570 with isoleucine.
Molecular consequence: missense variant.
Genome position (GRCh38, 1-based): chr1:99,880,020, G>T. VCF-style: chr1-99880020-G-T. GRCh37 (hg19) VCF-style: chr1-100345576-G-T.
Other names: c.1709G>T, p.Arg570Ile (NM_000028.3, NM_000643.3, NM_000644.3 and 2 more transcripts); c.1661G>T, p.Arg554Ile (NM_000646.3); c.1508G>T, p.Arg503Ile (NM_001425327.1); c.1505G>T, p.Arg502Ile (NM_001425328.1, NM_001425329.1); c.1331G>T, p.Arg444Ile (NM_001425332.1); short protein forms R554I, R570I, R444I, R502I, R503I.
Identifiers: ClinVar variation 1980707 (VCV001980707.4), dbSNP rs2524636912, ClinGen allele CA341315837.